The following is an entry in ClinVar:

NM_001365999.1(SZT2):c.4188C>T (p.Ser1396=)

Gene: SZT2 (SZT2 subunit of KICSTOR complex; plus strand). Cytogenetic location: 1p34.2.
Variant type: single nucleotide variant.
Coding change: c.4188C>T on transcript NM_001365999.1 (MANE Select); coding-DNA position 4188, C replaced by T.
Protein change: p.Ser1396=; no amino-acid change (serine 1396 retained).
Molecular consequence: synonymous variant.
Genome position (GRCh38, 1-based): chr1:43,429,724, C>T. VCF-style: chr1-43429724-C-T. GRCh37 (hg19) VCF-style: chr1-43895395-C-T.
Other names: c.4017C>T, p.Ser1339= (NM_015284.4).
Identifiers: ClinVar variation 1041310 (VCV001041310.33), dbSNP rs138401303, ClinGen allele CA809214.

ClinVar aggregate classification (germline): Conflicting classifications of pathogenicity. Review status: criteria provided, conflicting classifications (1 of 4 stars). 3 submissions from 3 submitters: Uncertain significance (1); Likely benign (2). Last evaluated 2025-12-19.

Allele frequency attached by ClinVar (database versions not stated): ExAC 0.00002; gnomAD exomes 0.00003 and 0.00005; ESP Exome Variant Server 0.00008; gnomAD 0.00008; TOPMed 0.00008.
gnomAD v4.1: 49 of 1,614,050 alleles (0.003%); highest among the groups gnomAD compares: African/African-American, 0.036%; no homozygotes.

Submissions (3):

Labcorp Genetics (formerly Invitae), Labcorp
Classification: Likely benign. Last evaluated: 2025-12-19. Review status: criteria provided, single submitter. Criteria: Invitae Variant Classification Sherloc (09022015). Collection method: clinical testing. Allele origin: germline.

CeGaT Center for Human Genetics Tuebingen
Classification: Likely benign. Last evaluated: 2023-09-01. Review status: criteria provided, single submitter. Criteria: CeGaT Center For Human Genetics Tuebingen Variant Classification Criteria Version 2. Collection method: clinical testing. Allele origin: germline. Affected: yes. Observed: 1 variant allele.
Comment: SZT2: BP4, BP7

GeneDx
Classification: Uncertain significance. Last evaluated: 2021-04-01. Review status: criteria provided, single submitter. Criteria: GeneDx Variant Classification Process June 2021. Collection method: clinical testing. Allele origin: germline. Affected: yes.
Comment: Has not been previously published as pathogenic or benign to our knowledge; In-silico analysis, which includes splice predictors and evolutionary conservation, is inconclusive as to whether the variant alters gene splicing. In the absence of RNA/functional studies, the actual effect of this sequence change is unknown.